The following is an entry in ClinVar:

NM_022464.5(SIL1):c.275G>T (p.Arg92Leu)

Gene: SIL1 (SIL1 nucleotide exchange factor; minus strand). Cytogenetic location: 5q31.2.
Variant type: single nucleotide variant.
Coding change: c.275G>T on transcript NM_022464.5 (MANE Select); coding-DNA position 275, G replaced by T.
Protein change: p.Arg92Leu; replaces arginine 92 with leucine.
Molecular consequence: missense variant.
Genome position (GRCh38, 1-based): chr5:139,051,016, C>A on the plus strand (G>T on the coding strand, the complement: SIL1 is on the minus strand). VCF-style: chr5-139051016-C-A. GRCh37 (hg19) VCF-style: chr5-138386705-C-A.
Other names: c.275G>T, p.Arg92Leu (NM_001037633.2); short protein forms R92L.
Identifiers: ClinVar variation 3572606 (VCV003572606.1).

ClinVar aggregate classification (germline): Uncertain significance (1 of 4 stars; one submission).

gnomAD v4.1: 3 of 1,613,998 alleles (0.00019%); highest among the groups gnomAD compares: African/African-American, 0.0027%; no homozygotes.

Submission:

GeneDx
Classification: Uncertain significance. Last evaluated: 2024-07-12. Review status: criteria provided, single submitter. Criteria: GeneDx Variant Classification Process June 2021. Collection method: clinical testing. Allele origin: germline. Affected: yes.
Comment: Not observed at significant frequency in large population cohorts (gnomAD); In silico analysis supports that this missense variant has a deleterious effect on protein structure/function; Has not been previously published as pathogenic or benign to our knowledge